The following is an entry in ClinVar:

NM_006306.4(SMC1A):c.1468G>A (p.Asp490Asn)

Gene: SMC1A (structural maintenance of chromosomes 1A; minus strand). Cytogenetic location: Xp11.22.
Variant type: single nucleotide variant.
Coding change: c.1468G>A on transcript NM_006306.4 (MANE Select); coding-DNA position 1468, G replaced by A.
Protein change: p.Asp490Asn; replaces aspartic acid 490 with asparagine.
Molecular consequence: missense variant.
Genome position (GRCh38, 1-based): chrX:53,409,139, C>T on the plus strand (G>A on the coding strand, the complement: SMC1A is on the minus strand). VCF-style: chrX-53409139-C-T. GRCh37 (hg19) VCF-style: chrX-53436070-C-T.
Other names: c.1402G>A, p.Asp468Asn (NM_001281463.1); short protein forms D468N, D490N.
Identifiers: ClinVar variation 3907956 (VCV003907956.2).

ClinVar aggregate classification (germline): Uncertain significance. Review status: criteria provided, multiple submitters, no conflicts (2 of 4 stars). 2 submissions from 2 submitters: Uncertain significance (2). Last evaluated 2024-12-26.

Submissions (2):

GeneDx
Classification: Uncertain significance. Last evaluated: 2024-12-26. Review status: criteria provided, single submitter. Criteria: GeneDx Variant Classification Process June 2021. Collection method: clinical testing. Allele origin: germline. Affected: yes.
Comment: Has not been previously published as pathogenic or benign to our knowledge; Not observed at significant frequency in large population cohorts (gnomAD); In silico analysis supports that this missense variant has a deleterious effect on protein structure/function; Missense variants in this gene are a common cause of disease and they are underrepresented in the general population

Blueprint Genetics
Classification: Uncertain significance. Last evaluated: 2022-10-11. Review status: criteria provided, single submitter. Criteria: ACMG Guidelines, 2015. Collection method: clinical testing. Allele origin: germline.